The following is an entry in ClinVar:

NM_001017979.3(RAB28):c.202G>C (p.Asp68His)

Gene: RAB28 (RAB28, member RAS oncogene family; minus strand). Cytogenetic location: 4p15.33.
Variant type: single nucleotide variant.
Coding change: c.202G>C on transcript NM_001017979.3 (MANE Select); coding-DNA position 202, G replaced by C.
Protein change: p.Asp68His; replaces aspartic acid 68 with histidine.
Molecular consequence: missense variant.
Genome position (GRCh38, 1-based): chr4:13,474,377, C>G on the plus strand (G>C on the coding strand, the complement: RAB28 is on the minus strand). VCF-style: chr4-13474377-C-G. GRCh37 (hg19) VCF-style: chr4-13476001-C-G.
Other names: c.202G>C, p.Asp68His (NM_001159601.2, NM_004249.4); short protein forms D68H.
Identifiers: ClinVar variation 1172724 (VCV001172724.6), dbSNP rs759845643, ClinGen allele CA2860175.

ClinVar aggregate classification (germline): Uncertain significance. Review status: criteria provided, multiple submitters, no conflicts (2 of 4 stars). 2 submissions from 2 submitters: Uncertain significance (2). Last evaluated 2022-10-05.

Conditions:
Cone-rod dystrophy 18 (CORD18). Identifiers: Orphanet 1872, MedGen C3809299, MONDO:0014153, OMIM 615374.

Allele frequency attached by ClinVar (database versions not stated): gnomAD exomes 0.00001 and 0.00002; ExAC 0.00002.
gnomAD v4.1: 4 of 1,593,140 alleles (0.00025%); highest among the groups gnomAD compares: Admixed American, 0.0068%; no homozygotes.

Submissions (2):

Labcorp Genetics (formerly Invitae), Labcorp
Classification: Uncertain significance. Last evaluated: 2022-10-05. Review status: criteria provided, single submitter. Criteria: Invitae Variant Classification Sherloc (09022015). Collection method: clinical testing. Allele origin: germline.
Comment: In summary, the available evidence is currently insufficient to determine the role of this variant in disease. Therefore, it has been classified as a Variant of Uncertain Significance. Algorithms developed to predict the effect of missense changes on protein structure and function are either unavailable or do not agree on the potential impact of this missense change (SIFT: "Tolerated"; PolyPhen-2: "Possibly Damaging"; Align-GVGD: "Class C0"). ClinVar contains an entry for this variant (Variation ID: 1172724). This variant has not been reported in the literature in individuals affected with RAB28-related conditions. This variant is present in population databases (rs759845643, gnomAD 0.01%). This sequence change replaces aspartic acid, which is acidic and polar, with histidine, which is basic and polar, at codon 68 of the RAB28 protein (p.Asp68His).

DBGen Ocular Genomics
Classification: Uncertain significance for Cone-rod dystrophy 18. Last evaluated: 2021-05-25. Review status: criteria provided, single submitter. Criteria: ACMG Guidelines, 2015. Collection method: clinical testing. Allele origin: germline. Affected: yes. Observed: 2 variant alleles.